The following is an entry in ClinVar:

NM_020117.11(LARS1):c.2386G>A (p.Val796Ile)

Gene: LARS1 (leucyl-tRNA synthetase 1; minus strand). Cytogenetic location: 5q32.
Variant type: single nucleotide variant.
Coding change: c.2386G>A on transcript NM_020117.11 (MANE Select); coding-DNA position 2386, G replaced by A.
Protein change: p.Val796Ile; replaces valine 796 with isoleucine.
Molecular consequence: missense variant.
Genome position (GRCh38, 1-based): chr5:146,132,908, C>T on the plus strand (G>A on the coding strand, the complement: LARS1 is on the minus strand). VCF-style: chr5-146132908-C-T. GRCh37 (hg19) VCF-style: chr5-145512471-C-T.
Other names: c.2248G>A, p.Val750Ile (NM_001317964.2); c.2224G>A, p.Val742Ile (NM_001317965.2); c.2305G>A, p.Val769Ile (NM_016460.4); short protein forms V796I, V750I, V742I, V769I.
Identifiers: ClinVar variation 2802770 (VCV002802770.3), dbSNP rs2532795130, ClinGen allele CA361604845.
Genomic context (GRCh38, chr5:146,132,908, plus strand): 5'-CCAGGACTAAGTAACTCTAAAACACAAAATGATTGGGATCTACAGATTACCTGGCAAAAA[C>T]TCTATCATTGAAAGTGCTGGCAGGACCACTTCTTAGGCTGTCCCAGTTGGCAACCATTTC-3'
Protein context (NP_064502.9, residues 786-806): SGPASTFNDR[Val796Ile]FASELNAGII

ClinVar aggregate classification (germline): Uncertain significance (1 of 4 stars; one submission).

Allele frequency attached by ClinVar (database versions not stated): gnomAD exomes below 0.00001.
gnomAD v4.1: 1 of 1,612,374 alleles (0.000062%); highest among the groups gnomAD compares: Non-Finnish European, 0.000085%; no homozygotes.

Submission:

Labcorp Genetics (formerly Invitae), Labcorp
Classification: Uncertain significance. Last evaluated: 2022-10-14. Review status: criteria provided, single submitter. Criteria: Invitae Variant Classification Sherloc (09022015). Collection method: clinical testing. Allele origin: germline.
Comment: In summary, the available evidence is currently insufficient to determine the role of this variant in disease. Therefore, it has been classified as a Variant of Uncertain Significance. Advanced modeling of protein sequence and biophysical properties (such as structural, functional, and spatial information, amino acid conservation, physicochemical variation, residue mobility, and thermodynamic stability) performed at Invitae indicates that this missense variant is not expected to disrupt LARS protein function. This variant has not been reported in the literature in individuals affected with LARS-related conditions. This variant is not present in population databases (gnomAD no frequency). This sequence change replaces valine, which is neutral and non-polar, with isoleucine, which is neutral and non-polar, at codon 796 of the LARS protein (p.Val796Ile).